The following is an entry in ClinVar:

ClinVar aggregate classification (germline): Pathogenic. Review status: criteria provided, multiple submitters, no conflicts (2 of 4 stars). 3 submissions from 3 submitters: Pathogenic (3). Last evaluated 2023-04-11.

Conditions:
Pyridoxine-dependent epilepsy (EPEO4). Also called: Pyridoxine-Dependent Seizures; Pyridoxine-Dependent Epilepsy - ALDH7A1; PYRIDOXINE DEPENDENCY WITH SEIZURES; EPILEPSY, EARLY-ONSET, 4, VITAMIN B6-DEPENDENT. Identifiers: Orphanet 3006, MedGen C1849508, MONDO:0009945, OMIM 266100. Disease mechanism: loss of function.

Submissions (3):

Genome-Nilou Lab
Classification: Pathogenic for Pyridoxine-dependent epilepsy. Last evaluated: 2023-04-11. Review status: criteria provided, single submitter. Criteria: ACMG Guidelines, 2015. Collection method: clinical testing. Allele origin: germline. Affected: no.

Victorian Clinical Genetics Services, Murdoch Childrens Research Institute
Classification: Pathogenic for Pyridoxine-dependent epilepsy. Last evaluated: 2022-06-24. Review status: criteria provided, single submitter. Criteria: ACMG Guidelines, 2015. Collection method: clinical testing. Allele origin: germline. Inheritance: Autosomal recessive inheritance. Affected: yes.
Comment: Based on the classification scheme VCGS_Germline_v1.3.4, this variant is classified as Pathogenic. Following criteria are met: 0102 - Loss of function is a known mechanism of disease in this gene and is associated with epilepsy, pyridoxine-dependent (MIM#266100). (I) 0106 - This gene is associated with autosomal recessive disease. (I) 0205 - Variant is predicted to result in a truncated protein (premature termination codon is NOT located at least 54 nucleotides upstream of the final exon-exon junction) with less than 1/3 of the protein sequence affected. (SP) 0251 - This variant is heterozygous. (I) 0301 - Variant is absent from gnomAD (both v2 and v3). (SP) 0701 - Other downstream protein-truncating variants comparable to the one identified in this case have very strong previous evidence for pathogenicity. At least four others have been reported in homozygous or compound heterozygous individuals with seizures (ClinVar, PMIDs: 30043187, 33748042). (SP) 0803 - This variant has limited previous evidence of pathogenicity in an unrelated individual. It has been reported in a homozygous individual with seizures (PMID: 29655203). (SP) 0905 - No published segregation evidence has been identified for this variant. (I) 1005 - Clinically accredited laboratory assay specific to gene product shows abnormal protein function. (SP) 1101 - Very strong and specific phenotype match for this individual. (I) Legend: (SP) - Supporting pathogenic, (I) - Information, (SB) - Supporting benign

GeneDx
Classification: Pathogenic. Last evaluated: 2013-03-04. Review status: criteria provided, single submitter. Criteria: GeneDx Variant Classification (06012015). Collection method: clinical testing. Allele origin: germline. Affected: yes.
Comment: The c.1468delG variant in the ALDH7A1 gene causes a frameshift starting with codon Alanine 490, changes this amino acid to a Leucine residue and creates a premature Stop codon at position 28 of the new reading frame, denoted p.Ala490LeufsX28. This mutation is predicted to result in the replacement of the last 50 amino acids with 20 incorrect amino acids, leading to protein truncation. Although this pathogenic variant has not been previously reported to our knowledge, this result is consistent with a diagnosis of an ALDH7A1-related disorder. This variant has been observed to be apparently homozygous.

Literature cited by the submitters: PubMed 29655203 (cited by Victorian Clinical Genetics Services, Murdoch Childrens Research Institute); PubMed 30043187 (cited by Victorian Clinical Genetics Services, Murdoch Childrens Research Institute); PubMed 33748042 (cited by Victorian Clinical Genetics Services, Murdoch Childrens Research Institute).

NM_001182.5(ALDH7A1):c.1468del (p.Ala490fs)

Gene: ALDH7A1 (aldehyde dehydrogenase 7 family member A1; minus strand). Cytogenetic location: 5q23.2.
Variant type: Deletion.
Coding change: c.1468del on transcript NM_001182.5 (MANE Select); coding-DNA position 1468, one base deleted (G; older notation c.1468delG).
Protein change: p.Ala490fs; shifts the reading frame from alanine 490.
Molecular consequence: frameshift variant.
Genome position (GRCh38, 1-based): chr5:126,549,950, C deleted on the plus strand (G on the coding strand, the reverse complement: ALDH7A1 is on the minus strand); the first of 4 consecutive C bases (chr5:126,549,950-126,549,953); deleting any one gives the same sequence. VCF-style (leftmost placement, unchanged base first): chr5-126549949-GC-G. GRCh37 (hg19) VCF-style: chr5-125885641-GC-G.
Other names: c.1384del, p.Ala462fs (NM_001201377.2); c.1276del, p.Ala426fs (NM_001202404.2); short protein forms A462fs, A490fs, A426fs.
Identifiers: ClinVar variation 204859 (VCV000204859.5), dbSNP rs796052267, ClinGen allele CA313225.